The following is an entry in ClinVar:

ClinVar aggregate classification (germline): Likely pathogenic (1 of 4 stars; one submission).

Submission:

Labcorp Genetics (formerly Invitae), Labcorp
Classification: Likely pathogenic. Last evaluated: 2021-03-22. Review status: criteria provided, single submitter. Criteria: Invitae Variant Classification Sherloc (09022015). Collection method: clinical testing. Allele origin: germline.
Comment: Algorithms developed to predict the effect of sequence changes on RNA splicing suggest that this variant may disrupt the consensus splice site, but this prediction has not been confirmed by published transcriptional studies. This variant has not been reported in the literature in individuals with ABCB11-related conditions. This variant is not present in population databases (ExAC no frequency). This variant results in the deletion of part of exon 9 (c.907_908+9del) of the ABCB11 gene. It is expected to disrupt RNA splicing. Variants that disrupt the donor or acceptor splice site typically lead to a loss of protein function (PMID: 16199547), and loss-of-function variants in ABCB11 are known to be pathogenic (PMID: 18395098, 20232290). This variant disrupts a region of the protein in which other variant(s) (p.Arg303Gly) have been observed in individuals with ABCB11-related conditions (PMID: 19797282). This suggests that this may be a clinically significant region of the ABCB11 protein. In summary, the currently available evidence indicates that the variant is pathogenic, but additional data are needed to prove that conclusively. Therefore, this variant has been classified as Likely Pathogenic.

Literature cited by the submitters: PubMed 16199547; PubMed 18395098; PubMed 20232290; PubMed 19797282.

NM_003742.4(ABCB11):c.907_908+9del

Gene: ABCB11 (ATP binding cassette subfamily B member 11; minus strand). Cytogenetic location: 2q31.1.
Variant type: Deletion.
Coding change: c.907_908+9del on transcript NM_003742.4 (MANE Select); coding-DNA position 907 through 9 bases into the intron after coding-DNA position 908, 11 bases deleted (AGGTTGGTTAA).
Molecular consequence: splice donor variant.
Genome position (GRCh38, 1-based): chr2:168,990,792-168,990,802, TTAACCAACCT deleted on the plus strand (AGGTTGGTTAA on the coding strand, the reverse complement: ABCB11 is on the minus strand); deleting any 11 consecutive bases within chr2:168,990,792-168,990,804 gives the same sequence; the c. name uses the placement nearest the transcript's 3' end. VCF-style (leftmost placement, unchanged base first): chr2-168990791-ATTAACCAACCT-A. GRCh37 (hg19) VCF-style: chr2-169847301-ATTAACCAACCT-A.
Identifiers: ClinVar variation 1520086 (VCV001520086.6), dbSNP rs2106004648, ClinGen allele CA2573133570.